The following is an entry in ClinVar:

ClinVar aggregate classification (germline): Likely benign. Review status: criteria provided, multiple submitters, no conflicts (2 of 4 stars). 4 submissions from 4 submitters: Likely benign (4). Last evaluated 2024-10-15.

Conditions:
Catecholaminergic polymorphic ventricular tachycardia 1. Also called: VENTRICULAR TACHYCARDIA, CATECHOLAMINERGIC POLYMORPHIC, 1, WITH OR WITHOUT ATRIAL DYSFUNCTION AND/OR DILATED CARDIOMYOPATHY; RYR2-Related Catecholaminergic Polymorphic Ventricular Tachycardia; VENTRICULAR TACHYCARDIA, STRESS-INDUCED POLYMORPHIC 1. Identifiers: Orphanet 3286, MedGen C1631597, MONDO:0011484, OMIM 604772.
Cardiovascular phenotype. Identifiers: MedGen CN230736.
Catecholaminergic polymorphic ventricular tachycardia (CVPT). Also called: Catecholamine-induced polymorphic ventricular tachycardia. Identifiers: Orphanet 3286, MedGen C5574922, MONDO:0017990.
Cardiomyopathy (CMYO). Also called: Cardiomyopathies. Identifiers: Orphanet 167848, MedGen C0878544, MONDO:0004994, HP:0001638. Inheritance: Various modes of inheritance.

Allele frequency attached by ClinVar (database versions not stated): gnomAD 0.00001; gnomAD exomes 0.00001; TOPMed 0.00002.
gnomAD v4.1: 5 of 1,613,776 alleles (0.00031%); highest among the groups gnomAD compares: Middle Eastern, 0.016%; no homozygotes.

Submissions (4):

Labcorp Genetics (formerly Invitae), Labcorp
Classification: Likely benign for Catecholaminergic polymorphic ventricular tachycardia 1. Last evaluated: 2024-10-15. Review status: criteria provided, single submitter. Criteria: Invitae Variant Classification Sherloc (09022015). Collection method: clinical testing. Allele origin: germline.

All of Us Research Program, National Institutes of Health
Classification: Likely benign for Catecholaminergic polymorphic ventricular tachycardia. Last evaluated: 2023-06-28. Review status: criteria provided, single submitter. Criteria: ACMG Guidelines, 2015. Collection method: clinical testing. Allele origin: germline. Inheritance: Autosomal dominant inheritance. Observed: 2 variant alleles, 2 heterozygotes.
Comment: This study involves interpretation of variants in research participants for the purpose of population health screening. Participant phenotype was not available at the time of variant classification. Additional details can be found in publication PMID: 35346344, PMCID: PMC8962531

Ambry Genetics
Classification: Likely benign for Cardiovascular phenotype. Last evaluated: 2021-06-15. Review status: criteria provided, single submitter. Criteria: Ambry Variant Classification Scheme 2023. Collection method: clinical testing. Allele origin: germline.

Color Diagnostics, LLC DBA Color Health
Classification: Likely benign for Cardiomyopathy. Last evaluated: 2018-11-30. Review status: criteria provided, single submitter. Criteria: ACMG Guidelines, 2015. Collection method: clinical testing. Allele origin: germline.

NM_001035.3(RYR2):c.12621G>A (p.Ser4207=)

Genes: RYR2 (ryanodine receptor 2; plus strand), LOC126806068 (BRD4-independent group 4 enhancer GRCh37_chr1:237947411-237948610; plus strand). Cytogenetic location: 1q43.
Variant type: single nucleotide variant.
Coding change: c.12621G>A on transcript NM_001035.3 (MANE Select); coding-DNA position 12621, G replaced by A.
Protein change: p.Ser4207=; no amino-acid change (serine 4207 retained).
Molecular consequence: synonymous variant.
Genome position (GRCh38, 1-based): chr1:237,784,333, G>A. VCF-style: chr1-237784333-G-A. GRCh37 (hg19) VCF-style: chr1-237947633-G-A.
Other names: c.12621G>A (NM_001035.2).
Identifiers: ClinVar variation 918469 (VCV000918469.10), dbSNP rs969138992, ClinGen allele CA066530.